The following is an entry in ClinVar:

ClinVar aggregate classification (germline): Uncertain significance (1 of 4 stars; one submission).

Allele frequency attached by ClinVar (database versions not stated): ExAC 0.00001; TOPMed 0.00001; gnomAD 0.00002.
gnomAD v4.1: 3 of 1,613,958 alleles (0.00019%); highest among the groups gnomAD compares: Non-Finnish European, 0.00025%; no homozygotes.

Submission:

Labcorp Genetics (formerly Invitae), Labcorp
Classification: Uncertain significance. Last evaluated: 2021-08-30. Review status: criteria provided, single submitter. Criteria: Invitae Variant Classification Sherloc (09022015). Collection method: clinical testing. Allele origin: germline.
Comment: This sequence change replaces serine with arginine at codon 1880 of the CDH23 protein (p.Ser1880Arg). The serine residue is highly conserved and there is a moderate physicochemical difference between serine and arginine. This variant is present in population databases (rs765686492, ExAC 0.001%). This variant has not been reported in the literature in individuals affected with CDH23-related conditions. Algorithms developed to predict the effect of missense changes on protein structure and function are either unavailable or do not agree on the potential impact of this missense change (SIFT: "Deleterious"; PolyPhen-2: "Not Available"; Align-GVGD: "Class C0"). In summary, the available evidence is currently insufficient to determine the role of this variant in disease. Therefore, it has been classified as a Variant of Uncertain Significance.

NM_022124.6(CDH23):c.5638A>C (p.Ser1880Arg)

Gene: CDH23 (cadherin related 23; plus strand). Cytogenetic location: 10q22.1.
Variant type: single nucleotide variant.
Coding change: c.5638A>C on transcript NM_022124.6 (MANE Select); coding-DNA position 5638, A replaced by C.
Protein change: p.Ser1880Arg; replaces serine 1880 with arginine.
Molecular consequence: missense variant.
Genome position (GRCh38, 1-based): chr10:71,785,026, A>C. VCF-style: chr10-71785026-A-C. GRCh37 (hg19) VCF-style: chr10-73544783-A-C.
Other names: short protein forms S1880R.
Identifiers: ClinVar variation 1897654 (VCV001897654.2), dbSNP rs765686492, ClinGen allele CA5545821.